The following is an entry in ClinVar:

ClinVar aggregate classification (germline): Pathogenic/Likely pathogenic. Review status: criteria provided, multiple submitters, no conflicts (2 of 4 stars). 5 submissions from 5 submitters: Pathogenic (3); Likely pathogenic (1). 1 of the submissions does not count toward it. Last evaluated 2025-08-05.

Conditions:
RFT1-congenital disorder of glycosylation (CDG1N). Also called: RFT1-CDG; Congenital disorder of glycosylation type In; CDG In. Identifiers: Orphanet 244310, MedGen C2677590, MONDO:0012783, OMIM 612015.

Allele frequency attached by ClinVar (database versions not stated): gnomAD 0.00002; TOPMed 0.00002.
gnomAD v4.1: 43 of 1,613,800 alleles (0.0027%); highest among the groups gnomAD compares: Admixed American, 0.0083%; no homozygotes.

Submissions (5):

First Genomix Gene Laboratory, Genetic Diagnostics Department
Classification: Pathogenic for RFT1-congenital disorder of glycosylation. Last evaluated: 2025-08-05. Review status: criteria provided, single submitter. Criteria: ACMG Guidelines, 2015. Collection method: clinical testing. Allele origin: germline. Inheritance: Autosomal recessive inheritance. Affected: no. Observed: 1 variant allele.

Labcorp Genetics (formerly Invitae), Labcorp
Classification: Likely pathogenic for RFT1-congenital disorder of glycosylation. Last evaluated: 2024-11-06. Review status: criteria provided, single submitter. Criteria: Invitae Variant Classification Sherloc (09022015). Collection method: clinical testing. Allele origin: germline.
Comment: This sequence change replaces lysine, which is basic and polar, with glutamic acid, which is acidic and polar, at codon 152 of the RFT1 protein (p.Lys152Glu). This variant is present in population databases (rs763862849, gnomAD 0.009%). This missense change has been observed in individual(s) with clinical features of RFT1-related conditions (PMID: 19701946, 19856127, 26892341, 27172925). ClinVar contains an entry for this variant (Variation ID: 207986). An algorithm developed to predict the effect of missense changes on protein structure and function (PolyPhen-2) suggests that this variant is likely to be disruptive. In summary, the currently available evidence indicates that the variant is pathogenic, but additional data are needed to prove that conclusively. Therefore, this variant has been classified as Likely Pathogenic.

Mendelics
Classification: Pathogenic for RFT1-congenital disorder of glycosylation. Last evaluated: 2022-05-04. Review status: criteria provided, single submitter. Criteria: Mendelics Assertion Criteria 2019. Collection method: clinical testing. Allele origin: germline.

Genetic Services Laboratory, University of Chicago
Classification: Pathogenic. Last evaluated: 2019-06-19. Review status: criteria provided, single submitter. Criteria: ACMG Guidelines, 2015. Collection method: clinical testing. Allele origin: germline. Affected: yes.
Comment: DNA sequence analysis of the RFT1 gene demonstrated a sequence change, c.454A>G, in exon 4 that results in an amino acid change, p.Lys152Glu. This sequence change has been previously described in two patients in the homozygous state with neurological and clinical features of RFT1-related disorder (PMIDs: 19856127, 19701946). Expression of wild-type RFT1 in the patients? fibroblasts showed complementation of the abnormal lipid-linked oligosaccharide profile and reduced DNase 1 secretion, supporting RFT1 defect (PMID: 19701946). This sequence change has been described in the gnomAD database with a low population frequency of 0.0052% (dbSNP rs763862849). The p.Lys152Glu change affects a highly conserved amino acid residue located in a domain of the RFT1 protein that is known to be functional. In-silico pathogenicity prediction tools (SIFT, PolyPhen2, Align GVGD, REVEL) provide contradictory results for the p.Lys152Glu substitution. These collective evidences indicate that this sequence change is pathogenic.

OMIM
Classification: Pathogenic for CONGENITAL DISORDER OF GLYCOSYLATION, TYPE In. Last evaluated: 2009-12-01. Review status: no assertion criteria provided. Collection method: literature only. Allele origin: germline. Not counted in ClinVar's aggregate classification.

Literature cited by the submitters: PubMed 19701946 (cited by Labcorp Genetics (formerly Invitae), Labcorp and OMIM); PubMed 19856127 (cited by Labcorp Genetics (formerly Invitae), Labcorp and OMIM); PubMed 26892341 (cited by Labcorp Genetics (formerly Invitae), Labcorp); PubMed 27172925 (cited by Labcorp Genetics (formerly Invitae), Labcorp).

NM_052859.4(RFT1):c.454A>G (p.Lys152Glu)

Gene: RFT1 (RFT1 glycolipid translocator homolog; minus strand). Cytogenetic location: 3p21.1.
Variant type: single nucleotide variant.
Coding change: c.454A>G on transcript NM_052859.4 (MANE Select); coding-DNA position 454, A replaced by G.
Protein change: p.Lys152Glu; replaces lysine 152 with glutamic acid.
Molecular consequence: missense variant.
Genome position (GRCh38, 1-based): chr3:53,122,376, T>C on the plus strand (A>G on the coding strand, the complement: RFT1 is on the minus strand). VCF-style: chr3-53122376-T-C. GRCh37 (hg19) VCF-style: chr3-53156392-T-C.
Other names: short protein forms K152E.
Identifiers: ClinVar variation 207986 (VCV000207986.13), dbSNP rs763862849, ClinGen allele CA275919.
Genomic context (GRCh38, chr3:53,122,376, plus strand): 5'-AAAACAACGCTTTTTCTTATTCTTCCCATTTCCCATTCACAGCAGAAGGTGCACTGACCT[T>C]GAGCTTCACAAACATATGTGCTTGTGCCAAGACCCAAAAGGGCTCTCCTAGAAGCTCCAC-3'
Protein context (NP_443091.1, residues 142-162): LAQAHMFVKL[Lys152Glu]VIAESLSVIL